The following is an entry in ClinVar:

NM_000540.3(RYR1):c.2511C>A (p.His837Gln)

Gene: RYR1 (ryanodine receptor 1; plus strand). Cytogenetic location: 19q13.2.
Variant type: single nucleotide variant.
Coding change: c.2511C>A on transcript NM_000540.3 (MANE Select); coding-DNA position 2511, C replaced by A.
Protein change: p.His837Gln; replaces histidine 837 with glutamine.
Molecular consequence: missense variant.
Genome position (GRCh38, 1-based): chr19:38,460,525, C>A. VCF-style: chr19-38460525-C-A. GRCh37 (hg19) VCF-style: chr19-38951165-C-A.
Other names: c.2511C>A, p.His837Gln (NM_001042723.2); short protein forms H837Q.
Identifiers: ClinVar variation 2904518 (VCV002904518.6), dbSNP rs990397571, ClinGen allele CA308071500.
Genomic context (GRCh38, chr19:38,460,525, plus strand): 5'-AGAGCGACTCCATCTTGAACCCATCAAGGAGTATCGACGGGAGGGGCCCCGGGGGCCTCA[C>A]CTGGTGGGCCCCAGTCGCTGCCTCTCACACACCGACTTCGTGCCCTGCCCTGTGGACACT-3'
Protein context (NP_000531.2, residues 827-847): EYRREGPRGP[His837Gln]LVGPSRCLSH

ClinVar aggregate classification (germline): Uncertain significance. Review status: criteria provided, multiple submitters, no conflicts (2 of 4 stars). 3 submissions from 3 submitters: Uncertain significance (3). Last evaluated 2025-12-03.

Conditions:
RYR1-related disorder. Also called: RYR1-related disorders; RYR1-related condition. Identifiers: MedGen CN239331.

gnomAD v4.1: 2 of 1,614,150 alleles (0.00012%); no homozygotes.

Submissions (3):

Labcorp Genetics (formerly Invitae), Labcorp
Classification: Uncertain significance for RYR1-related disorder. Last evaluated: 2025-12-03. Review status: criteria provided, single submitter. Criteria: Invitae Variant Classification Sherloc (09022015). Collection method: clinical testing. Allele origin: germline.
Comment: This sequence change replaces histidine, which is basic and polar, with glutamine, which is neutral and polar, at codon 837 of the RYR1 protein (p.His837Gln). This variant is not present in population databases (gnomAD no frequency). This variant has not been reported in the literature in individuals affected with RYR1-related conditions. ClinVar contains an entry for this variant (Variation ID: 2904518). Invitae Evidence Modeling of protein sequence and biophysical properties (such as structural, functional, and spatial information, amino acid conservation, physicochemical variation, residue mobility, and thermodynamic stability) indicates that this missense variant is not expected to disrupt RYR1 protein function with a negative predictive value of 80%. In summary, the available evidence is currently insufficient to determine the role of this variant in disease. Therefore, it has been classified as a Variant of Uncertain Significance.

GeneDx
Classification: Uncertain significance. Last evaluated: 2025-03-13. Review status: criteria provided, single submitter. Criteria: GeneDx Variant Classification Process June 2021. Collection method: clinical testing. Allele origin: germline.
Comment: Has not been previously published as pathogenic or benign to our knowledge; Not observed at significant frequency in large population cohorts (gnomAD); In silico analysis indicates that this missense variant does not alter protein structure/function

Women's Health and Genetics/Laboratory Corporation of America, LabCorp
Classification: Uncertain significance. Last evaluated: 2024-12-12. Review status: criteria provided, single submitter. Criteria: LabCorp Variant Classification Summary - May 2015. Collection method: clinical testing. Allele origin: germline.
Comment: Variant summary: RYR1 c.2511C>A (p.His837Gln) results in a non-conservative amino acid change in the encoded protein sequence. Five of five in-silico tools predict a damaging effect of the variant on protein function. The variant was absent in 251192 control chromosomes. The available data on variant occurrences in the general population are insufficient to allow any conclusion about variant significance. To our knowledge, no occurrence of c.2511C>A in individuals affected with Myopathy, RYR1-Associated and no experimental evidence demonstrating its impact on protein function have been reported. ClinVar contains an entry for this variant (Variation ID: 2904518). Based on the evidence outlined above, the variant was classified as uncertain significance.